The following is an entry in ClinVar:

NM_001278064.2(GRM1):c.2669G>A (p.Gly890Asp)

Gene: GRM1 (glutamate metabotropic receptor 1; plus strand). Cytogenetic location: 6q24.3.
Variant type: single nucleotide variant.
Coding change: c.2669G>A on transcript NM_001278064.2 (MANE Select); coding-DNA position 2669, G replaced by A.
Protein change: p.Gly890Asp; replaces glycine 890 with aspartic acid.
Molecular consequence: missense variant. On other transcripts: 3 prime UTR variant (1), intron variant (2).
Genome position (GRCh38, 1-based): chr6:146,433,880, G>A. VCF-style: chr6-146433880-G-A. GRCh37 (hg19) VCF-style: chr6-146755016-G-A.
Other names: c.*33G>A (NM_001278065.2); c.*25-27G>A (NM_001278066.1); c.2661-27G>A (NM_001278067.1); short protein forms G890D.
Identifiers: ClinVar variation 3637359 (VCV003637359.2).

ClinVar aggregate classification (germline): Uncertain significance (1 of 4 stars; one submission).

Submission:

Labcorp Genetics (formerly Invitae), Labcorp
Classification: Uncertain significance. Last evaluated: 2024-06-12. Review status: criteria provided, single submitter. Criteria: Invitae Variant Classification Sherloc (09022015). Collection method: clinical testing. Allele origin: germline.
Comment: This sequence change replaces glycine, which is neutral and non-polar, with aspartic acid, which is acidic and polar, at codon 890 of the GRM1 protein (p.Gly890Asp). This variant is not present in population databases (gnomAD no frequency). This variant has not been reported in the literature in individuals affected with GRM1-related conditions. An algorithm developed to predict the effect of missense changes on protein structure and function (PolyPhen-2) suggests that this variant is likely to be disruptive. In summary, the available evidence is currently insufficient to determine the role of this variant in disease. Therefore, it has been classified as a Variant of Uncertain Significance.